The following is an entry in ClinVar:

NM_001330360.2(POLA1):c.4374C>G (p.Ser1458Arg)

Gene: POLA1 (DNA polymerase alpha 1, catalytic subunit; plus strand). Cytogenetic location: Xp21.3.
Variant type: single nucleotide variant.
Coding change: c.4374C>G on transcript NM_001330360.2 (MANE Select); coding-DNA position 4374, C replaced by G.
Protein change: p.Ser1458Arg; replaces serine 1458 with arginine.
Molecular consequence: missense variant. On other transcripts: non-coding transcript variant (2).
Genome position (GRCh38, 1-based): chrX:24,995,917, C>G. VCF-style: chrX-24995917-C-G. GRCh37 (hg19) VCF-style: chrX-25014034-C-G.
Other names: c.4299C>G, p.Ser1433Arg (NM_001378303.1); c.4356C>G, p.Ser1452Arg (NM_016937.4); short protein forms S1458R, S1452R, S1433R.
Identifiers: ClinVar variation 1519478 (VCV001519478.6), dbSNP rs2147310795, ClinGen allele CA412609692.

ClinVar aggregate classification (germline): Uncertain significance (1 of 4 stars; one submission).

Allele frequency attached by ClinVar (database versions not stated): gnomAD 0.00001.
gnomAD v4.1: 1 of 1,208,476 alleles (0.000083%); highest among the groups gnomAD compares: African/African-American, 0.0018%; no homozygotes.

Submission:

Labcorp Genetics (formerly Invitae), Labcorp
Classification: Uncertain significance. Last evaluated: 2022-06-20. Review status: criteria provided, single submitter. Criteria: Invitae Variant Classification Sherloc (09022015). Collection method: clinical testing. Allele origin: germline.
Comment: In summary, the available evidence is currently insufficient to determine the role of this variant in disease. Therefore, it has been classified as a Variant of Uncertain Significance. Algorithms developed to predict the effect of missense changes on protein structure and function are either unavailable or do not agree on the potential impact of this missense change (SIFT: "Deleterious"; PolyPhen-2: "Benign"; Align-GVGD: "Class C0"). This variant has not been reported in the literature in individuals affected with POLA1-related conditions. This variant is not present in population databases (gnomAD no frequency). This sequence change replaces serine, which is neutral and polar, with arginine, which is basic and polar, at codon 1452 of the POLA1 protein (p.Ser1452Arg).